The following is an entry in ClinVar:

ClinVar aggregate classification (germline): Benign. Review status: criteria provided, single submitter (1 of 4 stars). 2 submissions from 2 submitters: Benign (1). 1 of the submissions does not count toward it. Last evaluated 2025-08-29.

Conditions:
FMN1-related disorder. Also called: FMN1-related condition.

Allele frequency attached by ClinVar (database versions not stated): gnomAD exomes 0.00138; gnomAD 0.00568 and 0.00604; TOPMed 0.00631; 1000 Genomes Project 0.00719; 1000 Genomes Project 30x 0.00734; ExAC 0.00181; ESP Exome Variant Server 0.00592.
gnomAD v4.1: 1,632 of 1,613,912 alleles (0.1%); highest among the groups gnomAD compares: African/African-American, 1.9%; 15 homozygotes.

Submissions (2):

Labcorp Genetics (formerly Invitae), Labcorp
Classification: Benign. Last evaluated: 2025-08-29. Review status: criteria provided, single submitter. Criteria: Invitae Variant Classification Sherloc (09022015). Collection method: clinical testing. Allele origin: germline.

PreventionGenetics, part of Exact Sciences
Classification: Benign for FMN1-related condition. Last evaluated: 2019-03-26. Review status: no assertion criteria provided. Collection method: clinical testing. Allele origin: germline. Not counted in ClinVar's aggregate classification.
Comment: This variant is classified as benign based on ACMG/AMP sequence variant interpretation guidelines (Richards et al. 2015 PMID: 25741868, with internal and published modifications).

NM_001277313.2(FMN1):c.2044-1717C>T

Gene: FMN1 (formin 1; minus strand). Cytogenetic location: 15q13.3.
Variant type: single nucleotide variant.
Coding change: c.2044-1717C>T on transcript NM_001277313.2 (MANE Select); 1717 bases into the intron before coding-DNA position 2044, C replaced by T.
Molecular consequence: intron variant. On other transcripts: missense variant (1).
Genome position (GRCh38, 1-based): chr15:33,066,791, G>A on the plus strand (C>T on the coding strand, the complement: FMN1 is on the minus strand). VCF-style: chr15-33066791-G-A. GRCh37 (hg19) VCF-style: chr15-33358992-G-A.
Other names: c.1094C>T, p.Ser365Leu (NM_001103184.4); c.1094C>T (NM_001103184.3); short protein forms S365L.
Identifiers: ClinVar variation 1600115 (VCV001600115.10), dbSNP rs116732950, ClinGen allele CA7457184.